The following is an entry in ClinVar:

ClinVar aggregate classification (germline): Uncertain significance (1 of 4 stars; one submission).

Submission:

Labcorp Genetics (formerly Invitae), Labcorp
Classification: Uncertain significance. Last evaluated: 2023-07-03. Review status: criteria provided, single submitter. Criteria: Invitae Variant Classification Sherloc (09022015). Collection method: clinical testing. Allele origin: germline.
Comment: In summary, the available evidence is currently insufficient to determine the role of this variant in disease. Therefore, it has been classified as a Variant of Uncertain Significance. An algorithm developed to predict the effect of missense changes on protein structure and function (PolyPhen-2) suggests that this variant is likely to be disruptive. ClinVar contains an entry for this variant (Variation ID: 1474015). This variant has not been reported in the literature in individuals affected with ABCA4-related conditions. Information on the frequency of this variant in the gnomAD database is not available, as this variant may be reported differently in the database. This sequence change replaces leucine with proline at codon 1891 of the ABCA4 protein (p.Leu1891Pro). The leucine residue is highly conserved and there is a moderate physicochemical difference between leucine and proline.

NM_000350.3(ABCA4):c.5672_5673delinsCT (p.Leu1891Pro)

Gene: ABCA4 (ATP binding cassette subfamily A member 4; minus strand). Cytogenetic location: 1p22.1.
Variant type: Indel.
Coding change: c.5672_5673delinsCT on transcript NM_000350.3 (MANE Select); coding-DNA positions 5672 to 5673, TC replaced by CT.
Protein change: p.Leu1891Pro; replaces leucine 1891 with proline.
Molecular consequence: missense variant.
Genome position (GRCh38, 1-based): chr1:94,010,841-94,010,842, GA replaced by AG on the plus strand (TC replaced by CT on the coding strand, the reverse complement: ABCA4 is on the minus strand). VCF-style: chr1-94010841-GA-AG. GRCh37 (hg19) VCF-style: chr1-94476397-GA-AG.
Other names: c.5450_5451delTCinsCT, p.Leu1817Pro (NM_001425324.1); short protein forms L1891P, L1817P.
Identifiers: ClinVar variation 1474015 (VCV001474015.5), dbSNP rs2101007491, ClinGen allele CA2573132704.